The following is an entry in ClinVar:

NM_001035.3(RYR2):c.815G>T (p.Arg272Leu)

Gene: RYR2 (ryanodine receptor 2; plus strand). Cytogenetic location: 1q43.
Variant type: single nucleotide variant.
Coding change: c.815G>T on transcript NM_001035.3 (MANE Select); coding-DNA position 815, G replaced by T.
Protein change: p.Arg272Leu; replaces arginine 272 with leucine.
Molecular consequence: missense variant.
Genome position (GRCh38, 1-based): chr1:237,417,090, G>T. VCF-style: chr1-237417090-G-T. GRCh37 (hg19) VCF-style: chr1-237580390-G-T.
Other names: c.815G>T, p.Arg272Leu (LRG_402t1); short protein forms R272L.
Identifiers: ClinVar variation 519353 (VCV000519353.30), dbSNP rs377368967, ClinGen allele CA087574.

ClinVar aggregate classification (germline): Uncertain significance. Review status: criteria provided, multiple submitters, no conflicts (2 of 4 stars). 8 submissions from 7 submitters: Uncertain significance (8). Last evaluated 2024-11-28.

Conditions:
Ventricular arrhythmias due to cardiac ryanodine receptor calcium release deficiency syndrome. Also called: Autosomal dominant cardiac arrhythmia (Kuhn). Identifiers: MedGen C5542154, MONDO:0020745, OMIM 115000.
Catecholaminergic polymorphic ventricular tachycardia 1. Also called: RYR2-Related Catecholaminergic Polymorphic Ventricular Tachycardia; VENTRICULAR TACHYCARDIA, CATECHOLAMINERGIC POLYMORPHIC, 1, WITH OR WITHOUT ATRIAL DYSFUNCTION AND/OR DILATED CARDIOMYOPATHY; VENTRICULAR TACHYCARDIA, STRESS-INDUCED POLYMORPHIC 1. Identifiers: Orphanet 3286, MedGen C1631597, MONDO:0011484, OMIM 604772.
Arrhythmogenic right ventricular dysplasia 2. Identifiers: MedGen C1832931.
Cardiovascular phenotype. Identifiers: MedGen CN230736.
Cardiomyopathy (CMYO). Also called: Cardiomyopathies. Identifiers: Orphanet 167848, MedGen C0878544, MONDO:0004994, HP:0001638. Inheritance: Various modes of inheritance.
Catecholaminergic polymorphic ventricular tachycardia (CVPT). Also called: Catecholamine-induced polymorphic ventricular tachycardia. Identifiers: Orphanet 3286, MedGen C5574922, MONDO:0017990.

Allele frequency attached by ClinVar (database versions not stated): ExAC 0.00003; gnomAD exomes 0.00003; gnomAD 0.00005; TOPMed 0.00005; ESP Exome Variant Server 0.00008.
gnomAD v4.1: 61 of 1,613,608 alleles (0.0038%); highest among the groups gnomAD compares: Non-Finnish European, 0.0048%; no homozygotes.

Submissions (8):

Labcorp Genetics (formerly Invitae), Labcorp
Classification: Uncertain significance for Catecholaminergic polymorphic ventricular tachycardia 1. Last evaluated: 2024-11-28. Review status: criteria provided, single submitter. Criteria: Invitae Variant Classification Sherloc (09022015). Collection method: clinical testing. Allele origin: germline.
Comment: This sequence change replaces arginine, which is basic and polar, with leucine, which is neutral and non-polar, at codon 272 of the RYR2 protein (p.Arg272Leu). This variant is present in population databases (rs377368967, gnomAD 0.008%). This variant has not been reported in the literature in individuals affected with RYR2-related conditions. ClinVar contains an entry for this variant (Variation ID: 519353). Invitae Evidence Modeling of protein sequence and biophysical properties (such as structural, functional, and spatial information, amino acid conservation, physicochemical variation, residue mobility, and thermodynamic stability) indicates that this missense variant is expected to disrupt RYR2 protein function with a positive predictive value of 95%. In summary, the available evidence is currently insufficient to determine the role of this variant in disease. Therefore, it has been classified as a Variant of Uncertain Significance.

Ambry Genetics
Classification: Uncertain significance for Cardiovascular phenotype. Last evaluated: 2024-07-23. Review status: criteria provided, single submitter. Criteria: Ambry Variant Classification Scheme 2023. Collection method: clinical testing. Allele origin: germline.
Comment: The p.R272L variant (also known as c.815G>T), located in coding exon 11 of the RYR2 gene, results from a G to T substitution at nucleotide position 815. The arginine at codon 272 is replaced by leucine, an amino acid with dissimilar properties. This amino acid position is highly conserved in available vertebrate species. In addition, this alteration is predicted to be deleterious by in silico analysis. Since supporting evidence is limited at this time, the clinical significance of this alteration remains unclear.

All of Us Research Program, National Institutes of Health
Classification: Uncertain significance for Catecholaminergic polymorphic ventricular tachycardia. Last evaluated: 2024-05-30. Review status: criteria provided, single submitter. Criteria: ACMG Guidelines, 2015. Collection method: clinical testing. Allele origin: germline. Inheritance: Autosomal dominant inheritance. Observed: 10 variant alleles, 10 heterozygotes.
Comment: This variant is located in the RYR2 protein. Computational prediction suggests that this variant may have deleterious impact on protein structure and function (internally defined REVEL score threshold >= 0.7, PMID: 27666373). To our knowledge, functional studies have not been reported for this variant. This variant has not been reported in individuals affected with cardiovascular disorders in the literature. This variant has been identified in 11/280472 chromosomes in the general population by the Genome Aggregation Database (gnomAD). The available evidence is insufficient to determine the role of this variant in disease conclusively. Therefore, this variant is classified as a Variant of Uncertain Significance.

This study involves interpretation of variants in research participants for the purpose of population health screening. Participant phenotype was not available at the time of variant classification. Additional details can be found in publication PMID: 35346344, PMCID: PMC8962531

Color Diagnostics, LLC DBA Color Health
Classification: Uncertain significance for Cardiomyopathy. Last evaluated: 2024-03-06. Review status: criteria provided, single submitter. Criteria: ACMG Guidelines, 2015. Collection method: clinical testing. Allele origin: germline.
Comment: This variant is located in the RYR2 protein. Computational prediction suggests that this variant may have deleterious impact on protein structure and function (internally defined REVEL score threshold >= 0.7, PMID: 27666373). To our knowledge, functional studies have not been reported for this variant. This variant has not been reported in individuals affected with cardiovascular disorders in the literature. This variant has been identified in 11/280472 chromosomes in the general population by the Genome Aggregation Database (gnomAD). The available evidence is insufficient to determine the role of this variant in disease conclusively. Therefore, this variant is classified as a Variant of Uncertain Significance.

Fulgent Genetics
Classification: Uncertain significance for Ventricular arrhythmias due to cardiac ryanodine receptor calcium release deficiency syndrome; Catecholaminergic polymorphic ventricular tachycardia 1. Last evaluated: 2021-10-29. Review status: criteria provided, single submitter. Criteria: ACMG Guidelines, 2015. Collection method: clinical testing. Allele origin: unknown.

Broad Center for Mendelian Genomics, Broad Institute of MIT and Harvard
Classification: Uncertain significance. Last evaluated: 2020-01-22. Review status: criteria provided, single submitter. Criteria: ACMG Guidelines, 2015. Collection method: curation. Allele origin: germline.
Comment: The p.Arg272Leu variant in RYR2 has not been previously reported in individuals with RYR2-related diseases but has been identified in 0.007793% (10/128322) of European (non-Finnish) chromosomes and 0.004133% (1/24196) of African chromosomes by the Genome Aggregation Database (gnomAD; dbSNP rs377368967). Although this variant has been seen in the general population, its frequency is low enough to be consistent with a recessive carrier frequency. This variant has also been reported as a VUS in ClinVar (Variation ID: 519353). Computational prediction tools and conservation analyses suggest that this variant may impact the protein, though this information is not predictive enough to determine pathogenicity. One additional variant, resulting in a different amino acid change at the same position, p.Arg272His, has been reported as a VUS in association with disease in ClinVar (Variation ID: 618352). The number of missense variants reported in RYR2 in the general population is lower than expected, suggesting there is little benign variation in this gene and slightly increasing the possibility that a missense variant in this gene may not be tolerated. In summary, while there is some suspicion for a pathogenic role, the clinical significance of this variant is uncertain. ACMG/AMP Criteria applied: PM2, PP2, PP3 (Richards 2015).

Illumina Laboratory Services, Illumina
Classification: Uncertain significance for Catecholaminergic polymorphic ventricular tachycardia 1. Last evaluated: 2018-01-13. Review status: criteria provided, single submitter. Criteria: ICSL Variant Classification Criteria 13 December 2019. Collection method: clinical testing. Allele origin: germline.

Illumina Laboratory Services, Illumina
Classification: Uncertain significance for Catecholaminergic polymorphic ventricular tachycardia 1. Last evaluated: 2018-01-13. Review status: criteria provided, single submitter. Criteria: ICSL Variant Classification Criteria 13 December 2019. Collection method: clinical testing. Allele origin: germline.